The following is an entry in ClinVar:

NM_052874.5(STX1B):c.548A>T (p.Asp183Val)

Gene: STX1B (syntaxin 1B; minus strand). Cytogenetic location: 16p11.2.
Variant type: single nucleotide variant.
Coding change: c.548A>T on transcript NM_052874.5 (MANE Select); coding-DNA position 548, A replaced by T.
Protein change: p.Asp183Val; replaces aspartic acid 183 with valine.
Molecular consequence: missense variant.
Genome position (GRCh38, 1-based): chr16:30,993,474, T>A on the plus strand (A>T on the coding strand, the complement: STX1B is on the minus strand). VCF-style: chr16-30993474-T-A. GRCh37 (hg19) VCF-style: chr16-31004795-T-A.
Other names: short protein forms D183V.
Identifiers: ClinVar variation 1011054 (VCV001011054.8), dbSNP rs2056574366, ClinGen allele CA395647560.

ClinVar aggregate classification (germline): Uncertain significance (1 of 4 stars; one submission).

Conditions:
Generalized epilepsy with febrile seizures plus, type 9 (GEFSP9). Also called: GEFS+, TYPE 9. Identifiers: Orphanet 36387, MedGen C4015395, MONDO:0014517, OMIM 616172.

Submission:

Labcorp Genetics (formerly Invitae), Labcorp
Classification: Uncertain significance for Generalized epilepsy with febrile seizures plus, type 9. Last evaluated: 2022-08-02. Review status: criteria provided, single submitter. Criteria: Invitae Variant Classification Sherloc (09022015). Collection method: clinical testing. Allele origin: germline.
Comment: Algorithms developed to predict the effect of sequence changes on RNA splicing suggest that this variant may create or strengthen a splice site. In summary, the available evidence is currently insufficient to determine the role of this variant in disease. Therefore, it has been classified as a Variant of Uncertain Significance. Algorithms developed to predict the effect of missense changes on protein structure and function (SIFT, PolyPhen-2, Align-GVGD) all suggest that this variant is likely to be tolerated. This sequence change replaces aspartic acid, which is acidic and polar, with valine, which is neutral and non-polar, at codon 183 of the STX1B protein (p.Asp183Val). This variant is not present in population databases (gnomAD no frequency). This variant has not been reported in the literature in individuals affected with STX1B-related conditions. ClinVar contains an entry for this variant (Variation ID: 1011054).